The following is an entry in ClinVar:

ClinVar aggregate classification (germline): Benign. Review status: criteria provided, multiple submitters, no conflicts (2 of 4 stars). 2 submissions from 2 submitters: Benign (2). Last evaluated 2018-01-12.

Conditions:
Pontoneocerebellar hypoplasia. Also called: Pontocerebellar hypoplasia; Non-syndromic pontocerebellar hypoplasia. Identifiers: Orphanet 98523, MedGen C1261175, MONDO:0020135.

Allele frequency attached by ClinVar (database versions not stated): gnomAD exomes 0.00219; gnomAD 0.00427 and 0.00431; 1000 Genomes Project 0.00639; 1000 Genomes Project 30x 0.00718; TOPMed 0.00771.
gnomAD v4.1: 3,349 of 1,395,828 alleles (0.24%); highest among the groups gnomAD compares: Admixed American, 5.3%; 95 homozygotes.

Submissions (2):

Illumina Laboratory Services, Illumina
Classification: Benign for Pontoneocerebellar hypoplasia. Last evaluated: 2018-01-12. Review status: criteria provided, single submitter. Criteria: ICSL Variant Classification Criteria 13 December 2019. Collection method: clinical testing. Allele origin: germline.
Comment: This variant was observed in the ICSL laboratory as part of a predisposition screen in an ostensibly healthy population. It had not been previously curated by ICSL or reported in the Human Gene Mutation Database (HGMD: prior to June 1st, 2018), and was therefore a candidate for classification through an automated scoring system. Utilizing variant allele frequency, disease prevalence and penetrance estimates, and inheritance mode, an automated score was calculated to assess if this variant is too frequent to cause the disease. Based on the score and internal cut-off values, a variant classified as benign is not then subjected to further curation. The score for this variant resulted in a classification of benign for this disease.

Breakthrough Genomics
Classification: Benign. Review status: criteria provided, single submitter. Criteria: ACMG Guidelines, 2015. Collection method: not provided. Allele origin: germline. Inheritance: Autosomal recessive inheritance. Affected: yes.

NM_025265.4(TSEN2):c.*78G>A

Gene: TSEN2 (tRNA splicing endonuclease subunit 2; plus strand). Cytogenetic location: 3p25.2.
Variant type: single nucleotide variant.
Coding change: c.*78G>A on transcript NM_025265.4 (MANE Select); 78 bases downstream of the stop codon, G replaced by A.
Molecular consequence: 3 prime UTR variant. On other transcripts: intron variant (1).
Genome position (GRCh38, 1-based): chr3:12,532,799, G>A. VCF-style: chr3-12532799-G-A. GRCh37 (hg19) VCF-style: chr3-12574298-G-A.
Other names: c.*78G>A (NM_001145392.2, NM_001145393.3, NM_001145394.2 and 2 more transcripts); c.1338+1140G>A (NM_001321278.2).
Identifiers: ClinVar variation 343084 (VCV000343084.6), dbSNP rs735640, ClinGen allele CA10617192.